The following is an entry in ClinVar:

ClinVar aggregate classification (germline): Pathogenic (1 of 4 stars; one submission).

Conditions:
Spongy degeneration of central nervous system. Also called: ACY2 DEFICIENCY; AMINOACYLASE 2 DEFICIENCY; ASP DEFICIENCY; ASPA DEFICIENCY; ASPARTOACYLASE DEFICIENCY; CANAVAN-VAN BOGAERT-BERTRAND DISEASE. Identifiers: Orphanet 141, MedGen C0206307, MONDO:0010079, OMIM 271900.

Submission:

Labcorp Genetics (formerly Invitae), Labcorp
Classification: Pathogenic for Spongy degeneration of central nervous system. Last evaluated: 2023-06-09. Review status: criteria provided, single submitter. Criteria: Invitae Variant Classification Sherloc (09022015). Collection method: clinical testing. Allele origin: germline.
Comment: This variant is not present in population databases (gnomAD no frequency). For these reasons, this variant has been classified as Pathogenic. ClinVar contains an entry for this variant (Variation ID: 2167806). This variant has not been reported in the literature in individuals affected with ASPA-related conditions. This sequence change creates a premature translational stop signal (p.Thr145Ilefs*12) in the ASPA gene. It is expected to result in an absent or disrupted protein product. Loss-of-function variants in ASPA are known to be pathogenic (PMID: 12638939).

Literature cited by the submitters: PubMed 12638939.

NM_000049.4(ASPA):c.434del (p.Thr145fs)

Genes: ASPA (aspartoacylase; plus strand), SPATA22 (spermatogenesis associated 22; minus strand). Cytogenetic location: 17p13.2.
Variant type: Deletion.
Coding change: c.434del on transcript NM_000049.4 (MANE Select); coding-DNA position 434, one base deleted (C; older notation c.434delC).
Protein change: p.Thr145fs; shifts the reading frame from threonine 145.
Molecular consequence: frameshift variant. On other transcripts: intron variant (2).
Genome position (GRCh38, 1-based): chr17:3,483,500, C deleted. VCF-style (leftmost placement, unchanged base first): chr17-3483499-AC-A. GRCh37 (hg19) VCF-style: chr17-3386793-AC-A.
Other names: c.434del, p.Thr145fs (NM_001128085.1); c.-73-14102del (NM_001321336.2, NM_001321337.2); short protein forms T145fs.
Identifiers: ClinVar variation 2167806 (VCV002167806.3), dbSNP rs2543624299, ClinGen allele CA2580092482.